The following is an entry in ClinVar:

ClinVar aggregate classification (germline): Pathogenic/Likely pathogenic. Review status: criteria provided, multiple submitters, no conflicts (2 of 4 stars). 2 submissions from 2 submitters: Pathogenic (1); Likely pathogenic (1). Last evaluated 2024-05-02.

Conditions:
Birt-Hogg-Dube syndrome. Also called: Birt Hogg Dubé syndrome. Identifiers: Orphanet 122, MedGen C0346010, MONDO:0800444.
Hereditary cancer-predisposing syndrome. Also called: Tumor predisposition; Hereditary neoplastic syndrome; Neoplastic Syndromes, Hereditary; Hereditary Cancer Syndrome. Identifiers: Orphanet 140162, MedGen C0027672, MeSH D009386, MONDO:0015356.

Submissions (2):

Ambry Genetics
Classification: Likely pathogenic for Hereditary cancer-predisposing syndrome. Last evaluated: 2024-05-02. Review status: criteria provided, single submitter. Criteria: Ambry Variant Classification Scheme 2023. Collection method: clinical testing. Allele origin: germline.
Comment: The c.1538+1G>A intronic variant results from a G to A substitution one nucleotide after coding exon 10 of the FLCN gene. This variant has been reported in 1 individual in a Birt-Hogg-Dub&eacute; cohort (Lagerstedt-Robinson K et al. PLoS One, 2022 Feb;17:e0264056). This nucleotide position is highly conserved in available vertebrate species. In silico splice site analysis predicts that this alteration will weaken the native splice donor site and will result in the creation or strengthening of a novel splice donor site. RNA studies have demonstrated that this alteration results in abnormal splicing in the set of samples tested (Ambry internal data). This alteration occurs at the 3' terminus of the FLCN gene and is not expected to trigger nonsense-mediated mRNA decay, however a significant portion of the protein is affected and the impacted region is critical for protein function (Ambry internal data). Based on the majority of available evidence to date, this variant is likely to be pathogenic.

Labcorp Genetics (formerly Invitae), Labcorp
Classification: Pathogenic for Birt-Hogg-Dube syndrome. Last evaluated: 2023-10-04. Review status: criteria provided, single submitter. Criteria: Invitae Variant Classification Sherloc (09022015). Collection method: clinical testing. Allele origin: germline.
Comment: This sequence change affects a donor splice site in intron 13 of the FLCN gene. While this variant is not anticipated to result in nonsense mediated decay, it likely alters RNA splicing and results in a disrupted protein product. This variant is not present in population databases (gnomAD no frequency). Disruption of this splice site has been observed in individual(s) with clinical features of Birt-Hogg-Dubé syndrome (PMID: 35176117). ClinVar contains an entry for this variant (Variation ID: 937855). Variants that disrupt the consensus splice site are a relatively common cause of aberrant splicing (PMID: 17576681, 9536098). Algorithms developed to predict the effect of sequence changes on RNA splicing suggest that this variant may disrupt the consensus splice site. This variant disrupts the FNIP1/2 interaction domain, which has been shown to be important for AMPK-mediated mTOR signaling pathways (PMID: 17028174, 18403135, 18663353, 22977732). While functional studies have not been performed to directly test the effect of this variant on FLCN protein function, this suggests that disruption of this region of the protein may be causative of disease. This variant disrupts a region of the FLCN protein in which other variant(s) (p.Trp553Arg) have been determined to be pathogenic (Invitae; external communication). This suggests that this is a clinically significant region of the protein, and that variants that disrupt it are likely to be disease-causing. For these reasons, this variant has been classified as Pathogenic.

Literature cited by the submitters: PubMed 35176117 (cited by Ambry Genetics and Labcorp Genetics (formerly Invitae), Labcorp); PubMed 17576681 (cited by Labcorp Genetics (formerly Invitae), Labcorp); PubMed 9536098 (cited by Labcorp Genetics (formerly Invitae), Labcorp); PubMed 17028174 (cited by Labcorp Genetics (formerly Invitae), Labcorp); PubMed 18403135 (cited by Labcorp Genetics (formerly Invitae), Labcorp); PubMed 18663353 (cited by Labcorp Genetics (formerly Invitae), Labcorp); PubMed 22977732 (cited by Labcorp Genetics (formerly Invitae), Labcorp).

NM_144997.7(FLCN):c.1538+1G>A

Gene: FLCN (folliculin; minus strand). Cytogenetic location: 17p11.2.
Variant type: single nucleotide variant.
Coding change: c.1538+1G>A on transcript NM_144997.7 (MANE Select); the canonical splice donor site of the intron after coding-DNA position 1538, G replaced by A.
Molecular consequence: splice donor variant.
Genome position (GRCh38, 1-based): chr17:17,214,984, C>T on the plus strand (G>A on the coding strand, the complement: FLCN is on the minus strand). VCF-style: chr17-17214984-C-T. GRCh37 (hg19) VCF-style: chr17-17118298-C-T.
Other names: c.1538+1G>A (NM_001353231.2, NM_001353230.2); c.1592+1G>A (NM_001353229.2).
Identifiers: ClinVar variation 937855 (VCV000937855.8), dbSNP rs2046866025, ClinGen allele CA398530648.